The following is an entry in ClinVar:

ClinVar aggregate classification (germline): Uncertain significance (1 of 4 stars; one submission).

Conditions:
LAMA2-related muscular dystrophy (LAMA2-RD). Also called: Laminin alpha 2-related dystrophy. Identifiers: MedGen C5679788, MONDO:0100228.

Submission:

Myriad Genetics, Inc.
Classification: Uncertain significance for LAMA2-related muscular dystrophy. Last evaluated: 2026-02-17. Review status: criteria provided, single submitter. Criteria: Myriad Autosomal Dominant, Autosomal Recessive and X-Linked Classification Criteria (2023). Collection method: clinical testing. Allele origin: unknown.
Comment: NM_000426.3(LAMA2):c.5673_5675dupCCA(S1891_Q1892insH) is an in-frame insertion classified as a variant of uncertain significance in the context of muscular dystrophy, LAMA2-related. S1891_Q1892insH has not been observed in cases with relevant disease. Relevant functional assessments of this variant are not available in the literature. S1891_Q1892insH has been observed in referenced population frequency databases. In summary, there is insufficient evidence to classify NM_000426.3(LAMA2):c.5673_5675dupCCA(S1891_Q1892insH) as pathogenic or benign. Please note: this variant was assessed in the context of healthy population screening.

NM_000426.4(LAMA2):c.5673_5675dup (p.Ser1891_Gln1892insHis)

Gene: LAMA2 (laminin subunit alpha 2; plus strand). Cytogenetic location: 6q22.33.
Variant type: Duplication.
Coding change: c.5673_5675dup on transcript NM_000426.4 (MANE Select); coding-DNA positions 5673 to 5675, 3 bases duplicated (CCA; older notation c.5673_5675dupCCA).
Protein change: p.Ser1891_Gln1892insHis.
Molecular consequence: inframe insertion.
Genome position (GRCh38, 1-based): chr6:129,402,434-129,402,436, CCA duplicated. VCF-style (leftmost placement, unchanged base first): chr6-129402433-C-CCCA. GRCh37 (hg19) VCF-style: chr6-129723578-C-CCCA.
Other names: c.5673_5675dup, p.Ser1891_Gln1892insHis (NM_001079823.2).
Identifiers: ClinVar variation 5003620 (VCV005003620.1).